The following is an entry in ClinVar:

NM_018249.6(CDK5RAP2):c.4879dup (p.Ala1627fs)

Gene: CDK5RAP2 (CDK5 regulatory subunit associated protein 2; minus strand). Cytogenetic location: 9q33.2.
Variant type: Duplication.
Coding change: c.4879dup on transcript NM_018249.6 (MANE Select); coding-DNA position 4879, one base duplicated (G; older notation c.4879dupG).
Protein change: p.Ala1627fs; shifts the reading frame from alanine 1627.
Molecular consequence: frameshift variant. On other transcripts: non-coding transcript variant (5), intron variant (1).
Genome position (GRCh38, 1-based): chr9:120,407,096, C duplicated on the plus strand (G on the coding strand, the reverse complement: CDK5RAP2 is on the minus strand); the first of 6 consecutive C bases (chr9:120,407,096-120,407,101); duplicating any one gives the same sequence. VCF-style (leftmost placement, unchanged base first): chr9-120407095-G-GC. GRCh37 (hg19) VCF-style: chr9-123169373-G-GC.
Other names: c.4189dup, p.Ala1397fs (NM_001272039.2); c.4780dup, p.Ala1594fs (NM_001410992.1); c.4783dup, p.Ala1595fs (NM_001410993.1); c.4876dup, p.Ala1626fs (NM_001410994.1); c.4726+1251dup (NM_001011649.3); short protein forms A1397fs, A1594fs, A1595fs, A1626fs, A1627fs.
Identifiers: ClinVar variation 4850625 (VCV004850625.1).
Genomic context (GRCh38, chr9:120,407,095, plus strand): 5'-ACCTCAGGGATGGACACGGCTTGGACAGCCAGAGTGAGGGCTCCTTCCTGTGCCTTCTCT[G>GC]CCCCCCTTGCCAGCTGTTCCTTGAGCCTGCTCTGCAGAGTGCTGCTGGTTTCGATGCTCC-3'

ClinVar aggregate classification (germline): Likely pathogenic (1 of 4 stars; one submission).

Conditions:
Microcephaly 3, primary, autosomal recessive. Identifiers: Orphanet 2512, MedGen C1858108, MONDO:0011488, OMIM 604804.

Submission:

First Genomix Gene Laboratory, Genetic Diagnostics Department
Classification: Likely pathogenic for Microcephaly 3, primary, autosomal recessive. Last evaluated: 2025-12-31. Review status: criteria provided, single submitter. Criteria: ACMG Guidelines, 2015. Collection method: clinical testing. Allele origin: germline. Inheritance: Autosomal recessive inheritance. Affected: no. Observed: 1 variant allele.